The following is an entry in ClinVar:

NM_001289104.2(PRKCSH):c.1142G>A (p.Arg381His)

Gene: PRKCSH (PRKCSH beta subunit of glucosidase II; plus strand). Cytogenetic location: 19p13.2.
Variant type: single nucleotide variant.
Coding change: c.1142G>A on transcript NM_001289104.2 (MANE Select); coding-DNA position 1142, G replaced by A.
Protein change: p.Arg381His; replaces arginine 381 with histidine.
Molecular consequence: missense variant.
Genome position (GRCh38, 1-based): chr19:11,448,237, G>A. VCF-style: chr19-11448237-G-A. GRCh37 (hg19) VCF-style: chr19-11559052-G-A.
Other names: c.1112G>A, p.Arg371His (NM_001001329.3, NM_001289102.2, NM_001379609.1); c.1142G>A, p.Arg381His (NM_001289103.2); c.1121G>A, p.Arg374His (NM_001379608.1, NM_002743.3); short protein forms R381H, R371H, R374H.
Identifiers: ClinVar variation 3583451 (VCV003583451.2).

ClinVar aggregate classification (germline): Uncertain significance. Review status: criteria provided, multiple submitters, no conflicts (2 of 4 stars). 2 submissions from 2 submitters: Uncertain significance (2). Last evaluated 2025-08-17.

Conditions:
Polycystic liver disease 1 (PCLD1). Also called: Polycystic liver disease 1 with or without kidney cysts. Identifiers: Orphanet 2924, MedGen C0887850, MONDO:0008265, OMIM 174050.

Submissions (2):

Labcorp Genetics (formerly Invitae), Labcorp
Classification: Uncertain significance. Last evaluated: 2025-08-17. Review status: criteria provided, single submitter. Criteria: Invitae Variant Classification Sherloc (09022015). Collection method: clinical testing. Allele origin: germline.
Comment: This sequence change replaces arginine, which is basic and polar, with histidine, which is basic and polar, at codon 374 of the PRKCSH protein (p.Arg374His). The frequency data for this variant in the population databases is considered unreliable, as metrics indicate poor data quality at this position in the gnomAD database. This variant has not been reported in the literature in individuals affected with PRKCSH-related conditions. ClinVar contains an entry for this variant (Variation ID: 3583451). An algorithm developed to predict the effect of missense changes on protein structure and function (PolyPhen-2) suggests that this variant is likely to be disruptive. In summary, the available evidence is currently insufficient to determine the role of this variant in disease. Therefore, it has been classified as a Variant of Uncertain Significance.

Fulgent Genetics
Classification: Uncertain significance for Polycystic liver disease 1. Last evaluated: 2024-02-28. Review status: criteria provided, single submitter. Criteria: ACMG Guidelines, 2015. Collection method: clinical testing. Allele origin: germline.